The following is an entry in ClinVar:

NM_006306.4(SMC1A):c.1915G>A (p.Val639Met)

Gene: SMC1A (structural maintenance of chromosomes 1A; minus strand). Cytogenetic location: Xp11.22.
Variant type: single nucleotide variant.
Coding change: c.1915G>A on transcript NM_006306.4 (MANE Select); coding-DNA position 1915, G replaced by A.
Protein change: p.Val639Met; replaces valine 639 with methionine.
Molecular consequence: missense variant.
Genome position (GRCh38, 1-based): chrX:53,405,388, C>T on the plus strand (G>A on the coding strand, the complement: SMC1A is on the minus strand). VCF-style: chrX-53405388-C-T. GRCh37 (hg19) VCF-style: chrX-53432320-C-T.
Other names: c.1849G>A, p.Val617Met (NM_001281463.1); short protein forms V617M, V639M.
Identifiers: ClinVar variation 3381846 (VCV003381846.2).

ClinVar aggregate classification (germline): Likely pathogenic (1 of 4 stars; one submission).

Conditions:
Congenital muscular hypertrophy-cerebral syndrome (CDLS2). Also called: Cornelia de Lange syndrome 2; SMC1A-Related Cornelia de Lange Syndrome. Identifiers: Orphanet 199, MedGen C1802395, MONDO:0010370, OMIM 300590.
Developmental and epileptic encephalopathy, 85, with or without midline brain defects. Also called: EPILEPTIC ENCEPHALOPATHY, EARLY INFANTILE, 85, WITH OR WITHOUT MIDLINE BRAIN DEFECTS. Identifiers: MedGen C5393312, MONDO:0026771, OMIM 301044.

Submission:

Juno Genomics, Hangzhou Juno Genomics, Inc
Classification: Likely pathogenic for Congenital muscular hypertrophy-cerebral syndrome; Developmental and epileptic encephalopathy, 85, with or without midline brain defects. Review status: criteria provided, single submitter. Criteria: ACMG Guidelines, 2015. Collection method: clinical testing. Allele origin: germline. Affected: yes.
Comment: Absent from controls (or at extremely low frequency if recessive) in Genome Aggregation Database, Exome Sequencing Project, 1000 Genomes Project, or Exome Aggregation Consortium.;Multiple lines of computational evidence support a deleterious effect on the gene or gene product (conservation, evolutionary, splicing impact, etc).;Missense variant in a gene that has a low rate of benign missense variation and where missense variants are a common mechanism of disease.;Assumed de novo, but without confirmation of paternity and maternity.;Patient's phenotype or family history is highly specific for a disease with a single genetic etiology.